The following is an entry in ClinVar:

NM_001232.4(CASQ2):c.8G>T (p.Arg3Ile)

Gene: CASQ2 (calsequestrin 2; minus strand). Cytogenetic location: 1p13.1.
Variant type: single nucleotide variant.
Coding change: c.8G>T on transcript NM_001232.4 (MANE Select); coding-DNA position 8, G replaced by T.
Protein change: p.Arg3Ile; replaces arginine 3 with isoleucine.
Molecular consequence: missense variant.
Genome position (GRCh38, 1-based): chr1:115,768,534, C>A on the plus strand (G>T on the coding strand, the complement: CASQ2 is on the minus strand). VCF-style: chr1-115768534-C-A. GRCh37 (hg19) VCF-style: chr1-116311155-C-A.
Other names: short protein forms R3I.
Identifiers: ClinVar variation 4751534 (VCV004751534.2).
Genomic context (GRCh38, chr1:115,768,534, plus strand): 5'-AGCCCCTCTTCTGCCCTGCAAGAGGACAGAAAATAAATCCCCACAATAAACAAGTGAGTT[C>A]TCTTCATTTGGGAAAACTTTTGTTTCTCGTTCCCAAATATGCTGTGTGCAGAATAGAGGA-3'
Protein context (NP_001223.2, residues 1-13): MK[Arg3Ile]THLFIVGIYF

ClinVar aggregate classification (germline): Uncertain significance. Review status: criteria provided, multiple submitters, no conflicts (2 of 4 stars). 2 submissions from 2 submitters: Uncertain significance (2). Last evaluated 2026-07-07.

Conditions:
Catecholaminergic polymorphic ventricular tachycardia 1. Also called: VENTRICULAR TACHYCARDIA, CATECHOLAMINERGIC POLYMORPHIC, 1, WITH OR WITHOUT ATRIAL DYSFUNCTION AND/OR DILATED CARDIOMYOPATHY; VENTRICULAR TACHYCARDIA, STRESS-INDUCED POLYMORPHIC 1; RYR2-Related Catecholaminergic Polymorphic Ventricular Tachycardia. Identifiers: Orphanet 3286, MedGen C1631597, MONDO:0011484, OMIM 604772.
Cardiovascular phenotype. Identifiers: MedGen CN230736.

gnomAD v4.1: 2 of 1,608,342 alleles (0.00012%); highest among the groups gnomAD compares: African/African-American, 0.0027%; no homozygotes.

Submissions (2):

Ambry Genetics
Classification: Uncertain significance for Cardiovascular phenotype. Last evaluated: 2026-07-07. Review status: criteria provided, single submitter. Criteria: Ambry Variant Classification Scheme 2023. Collection method: clinical testing. Allele origin: germline.
Comment: The p.R3I variant (also known as c.8G>T), located in coding exon 1 of the CASQ2 gene, results from a G to T substitution at nucleotide position 8. The arginine at codon 3 is replaced by isoleucine, an amino acid with similar properties. This amino acid position is conserved. In addition, this alteration is predicted to be tolerated by in silico analysis. Based on the available evidence, the clinical significance of this variant remains unclear.

Labcorp Genetics (formerly Invitae), Labcorp
Classification: Uncertain significance for Catecholaminergic polymorphic ventricular tachycardia 1. Last evaluated: 2026-01-19. Review status: criteria provided, single submitter. Criteria: Invitae Variant Classification Sherloc (09022015). Collection method: clinical testing. Allele origin: germline.
Comment: This sequence change replaces arginine, which is basic and polar, with isoleucine, which is neutral and non-polar, at codon 3 of the CASQ2 protein (p.Arg3Ile). This variant is not present in population databases (gnomAD no frequency). This variant has not been reported in the literature in individuals affected with CASQ2-related conditions. An algorithm developed to predict the effect of missense changes on protein structure and function (PolyPhen-2) suggests that this variant is likely to be tolerated. In summary, the available evidence is currently insufficient to determine the role of this variant in disease. Therefore, it has been classified as a Variant of Uncertain Significance.